The following is an entry in ClinVar:

ClinVar aggregate classification (germline): Uncertain significance (1 of 4 stars; one submission).

Submission:

Dasa
Classification: Uncertain significance. Last evaluated: 2026-05-26. Review status: criteria provided, single submitter. Criteria: DASA Assertion Criteria. Collection method: clinical testing. Allele origin: germline.
Comment: NM_001386135.1(AFF3):c.1991A>C (p.Glu664Ala) is a missense variant that results in the substitution of glutamic acid with alanine. This variant is rare in population databases. The currently available literature and clinical evidence are not sufficient to establish a definitive association between this variant and the reported condition. Therefore, this variant is classified as a variant of uncertain significance.

NM_001386135.1(AFF3):c.1991A>C (p.Glu664Ala)

Gene: AFF3 (ALF transcription elongation factor 3; minus strand). Cytogenetic location: 2q11.2.
Variant type: single nucleotide variant.
Coding change: c.1991A>C on transcript NM_001386135.1 (MANE Select); coding-DNA position 1991, A replaced by C.
Protein change: p.Glu664Ala; replaces glutamic acid 664 with alanine.
Molecular consequence: missense variant.
Genome position (GRCh38, 1-based): chr2:99,593,670, T>G on the plus strand (A>C on the coding strand, the complement: AFF3 is on the minus strand). VCF-style: chr2-99593670-T-G. GRCh37 (hg19) VCF-style: chr2-100210132-T-G.
Other names: c.2066A>C, p.Glu689Ala (NM_001025108.2); c.1991A>C, p.Glu664Ala (NM_002285.3); short protein forms E664A, E689A.
Identifiers: ClinVar variation 5020480 (VCV005020480.1).
Genomic context (GRCh38, chr2:99,593,670, plus strand): 5'-TCGGACTCCAGGTCGGAGTCCGAGGAGGAGGATGAAGATGACGACTCTGTCTCAATGAAC[T>G]CCTTGGATTTGGGGACGATCCTGCTTAGCCCCCGCGTGCGGCGCTTCTCGCAGGTCACGG-3'
Protein context (NP_001373064.1, residues 654-674): GLSRIVPKSK[Glu664Ala]FIETESSSSS